The following is an entry in ClinVar:

NM_001148.6(ANK2):c.3579C>T (p.Arg1193=)

Gene: ANK2 (ankyrin 2; plus strand). Cytogenetic location: 4q26.
Variant type: single nucleotide variant.
Coding change: c.3579C>T on transcript NM_001148.6 (MANE Select); coding-DNA position 3579, C replaced by T.
Protein change: p.Arg1193=; no amino-acid change (arginine 1193 retained).
Molecular consequence: synonymous variant. On other transcripts: 5 prime UTR variant (2).
Genome position (GRCh38, 1-based): chr4:113,336,045, C>T. VCF-style: chr4-113336045-C-T. GRCh37 (hg19) VCF-style: chr4-114257201-C-T.
Other names: p.R1193R:CGC>CGT; p.Arg1193=; c.3579C>T (NM_001148.5, NM_020977.4); c.3552C>T, p.Arg1184= (NM_001127493.3); c.3591C>T, p.Arg1197= (NM_001354225.2); c.3480C>T, p.Arg1160= (NM_001354228.2, NM_001354258.2); c.3558C>T, p.Arg1186= (NM_001354230.2); c.3621C>T, p.Arg1207= (NM_001354231.2, NM_001354242.2); and 34 more.
Identifiers: ClinVar variation 136390 (VCV000136390.24), dbSNP rs3736575, ClinGen allele CA289450.
Genomic context (GRCh38, chr4:113,336,045, plus strand): 5'-CACAGTGGTGCCCCAGGTGCAGGCCGTCTTCCCAGAGGGGGCACTCACCAAGCGGATCCG[C>T]GTAGGCCTGCAGGTATGCCCATGTTAGATGCAAATGATCCTAACAGGATTGTATTCTAAT-3'
Protein context (NP_001139.3, residues 1183-1203): FPEGALTKRI[Arg1193=]VGLQAQPMHS

ClinVar aggregate classification (germline): Benign. Review status: criteria provided, multiple submitters, no conflicts (2 of 4 stars). 10 submissions from 10 submitters: Benign (10). Last evaluated 2026-02-04.

Conditions:
Cardiovascular phenotype. Identifiers: MedGen CN230736.
Long QT syndrome (LQTS). Identifiers: MedGen C0023976, MeSH D008133, MONDO:0002442. Disease mechanism: loss of function. Inheritance: Various modes of inheritance.
Cardiac arrhythmia, ankyrin-B-related. Also called: ANKYRIN-B SYNDROME. Identifiers: Orphanet 101016, Orphanet 768, MedGen C1970119, MONDO:0010958, OMIM 600919.

Allele frequency attached by ClinVar (database versions not stated): gnomAD exomes 0.11256 and 0.13747; ExAC 0.14599; gnomAD 0.22856 and 0.23645; TOPMed 0.24890; ESP Exome Variant Server 0.25104; 1000 Genomes Project 0.26038; 1000 Genomes Project 30x 0.27264.
gnomAD v4.1: 200,365 of 1,613,414 alleles (12%); highest among the groups gnomAD compares: African/African-American, 56%; 20,512 homozygotes.

Submissions (10):

Labcorp Genetics (formerly Invitae), Labcorp
Classification: Benign for Long QT syndrome. Last evaluated: 2026-02-04. Review status: criteria provided, single submitter. Criteria: Invitae Variant Classification Sherloc (09022015). Collection method: clinical testing. Allele origin: germline.

Molecular Diagnostic Laboratory for Inherited Cardiovascular Disease, Montreal Heart Institute
Classification: Benign. Last evaluated: 2025-04-09. Review status: criteria provided, single submitter. Criteria: ACMG Guidelines, 2015. Collection method: clinical testing. Allele origin: germline. Affected: no.

Blueprint Genetics
Classification: Benign. Last evaluated: 2024-11-26. Review status: criteria provided, single submitter. Criteria: ACMG Guidelines, 2015. Collection method: clinical testing. Allele origin: germline.

Genome-Nilou Lab
Classification: Benign for Cardiac arrhythmia, ankyrin-B-related. Last evaluated: 2021-12-05. Review status: criteria provided, single submitter. Criteria: ACMG Guidelines, 2015. Collection method: clinical testing. Allele origin: germline. Affected: no.

Illumina Laboratory Services, Illumina
Classification: Benign for Cardiac arrhythmia, ankyrin-B-related. Last evaluated: 2018-01-13. Review status: criteria provided, single submitter. Criteria: ICSL Variant Classification Criteria 13 December 2019. Collection method: clinical testing. Allele origin: germline.
Comment: This variant was observed in the ICSL laboratory as part of a predisposition screen in an ostensibly healthy population. It had not been previously curated by ICSL or reported in the Human Gene Mutation Database (HGMD: prior to June 1st, 2018), and was therefore a candidate for classification through an automated scoring system. Utilizing variant allele frequency, disease prevalence and penetrance estimates, and inheritance mode, an automated score was calculated to assess if this variant is too frequent to cause the disease. Based on the score and internal cut-off values, a variant classified as benign is not then subjected to further curation. The score for this variant resulted in a classification of benign for this disease.

Ambry Genetics
Classification: Benign for Cardiovascular phenotype. Last evaluated: 2015-06-26. Review status: criteria provided, single submitter. Criteria: Ambry Variant Classification Scheme 2023. Collection method: clinical testing. Allele origin: germline.

Mayo Clinic Laboratories, Mayo Clinic
Classification: Benign. Last evaluated: 2014-12-11. Review status: criteria provided, single submitter. Criteria: ACMG Guidelines, 2015. Collection method: clinical testing. Allele origin: germline. Observed: 230 variant alleles.

GeneDx
Classification: Benign. Last evaluated: 2011-07-10. Review status: criteria provided, single submitter. Criteria: GeneDx Variant Classification (06012015). Collection method: clinical testing. Allele origin: germline. Affected: yes.
Comment: This variant is considered likely benign or benign based on one or more of the following criteria: it is a conservative change, it occurs at a poorly conserved position in the protein, it is predicted to be benign by multiple in silico algorithms, and/or has population frequency not consistent with disease.

Breakthrough Genomics
Classification: Benign. Review status: criteria provided, single submitter. Criteria: ACMG Guidelines, 2015. Collection method: not provided. Allele origin: germline. Inheritance: Autosomal dominant inheritance. Affected: yes.

PreventionGenetics, part of Exact Sciences
Classification: Benign. Review status: criteria provided, single submitter. Criteria: ACMG Guidelines, 2015. Collection method: clinical testing. Allele origin: germline.